The following is an entry in ClinVar:

ClinVar aggregate classification (germline): Uncertain significance (1 of 4 stars; one submission).

Conditions:
Neurofibromatosis, type 1 (NF1). Also called: Neurofibromatosis, type I; Peripheral type neurofibromatosis; VON RECKLINGHAUSEN DISEASE; NEUROFIBROMATOSIS, TYPE I, SOMATIC. Identifiers: Orphanet 636, MedGen C0027831, MONDO:0018975, OMIM 162200. Disease mechanism: loss of function.

Submission:

Labcorp Genetics (formerly Invitae), Labcorp
Classification: Uncertain significance for Neurofibromatosis, type 1. Last evaluated: 2022-07-11. Review status: criteria provided, single submitter. Criteria: Invitae Variant Classification Sherloc (09022015). Collection method: clinical testing. Allele origin: germline.
Comment: This variant is not present in population databases (gnomAD no frequency). In summary, the available evidence is currently insufficient to determine the role of this variant in disease. Therefore, it has been classified as a Variant of Uncertain Significance. Algorithms developed to predict the effect of sequence changes on RNA splicing suggest that this variant may disrupt the consensus splice site. This variant has not been reported in the literature in individuals affected with NF1-related conditions. This sequence change falls in intron 18 of the NF1 gene. It does not directly change the encoded amino acid sequence of the NF1 protein.

NM_001042492.3(NF1):c.2252-14_2252-6del

Gene: NF1 (neurofibromin 1; plus strand). Cytogenetic location: 17q11.2.
Variant type: Deletion.
Coding change: c.2252-14_2252-6del on transcript NM_001042492.3 (MANE Select); 14 bases into the intron before coding-DNA position 2252 through 6 bases into the intron before coding-DNA position 2252, 9 bases deleted (TTGTATTTG; older notation c.2252-14_2252-6delTTGTATTTG).
Molecular consequence: intron variant.
Genome position (GRCh38, 1-based): chr17:31,227,204-31,227,212, TTGTATTTG deleted; deleting any 9 consecutive bases within chr17:31,227,202-31,227,212 gives the same sequence; the c. name uses the placement nearest the transcript's 3' end. VCF-style (leftmost placement, unchanged base first): chr17-31227201-CTGTTGTATT-C. GRCh37 (hg19) VCF-style: chr17-29554219-CTGTTGTATT-C.
Other names: c.2252-14_2252-6del (NM_000267.4).
Identifiers: ClinVar variation 2016150 (VCV002016150.4), dbSNP rs2508164968, ClinGen allele CA2580093181.